The following is an entry in ClinVar:

NM_001388492.1(HTT):c.2001A>C (p.Lys667Asn)

Gene: HTT (huntingtin; plus strand). Cytogenetic location: 4p16.3.
Variant type: single nucleotide variant.
Coding change: c.2001A>C on transcript NM_001388492.1 (MANE Select); coding-DNA position 2001, A replaced by C.
Protein change: p.Lys667Asn; replaces lysine 667 with asparagine.
Molecular consequence: missense variant.
Genome position (GRCh38, 1-based): chr4:3,131,300, A>C. VCF-style: chr4-3131300-A-C. GRCh37 (hg19) VCF-style: chr4-3133027-A-C.
Other names: c.2007A>C, p.Lys669Asn (NM_002111.8); short protein forms K667N, K669N.
Identifiers: ClinVar variation 1429434 (VCV001429434.6), dbSNP rs1715803410, ClinGen allele CA356081125.

ClinVar aggregate classification (germline): Uncertain significance (1 of 4 stars; one submission).

Submission:

Labcorp Genetics (formerly Invitae), Labcorp
Classification: Uncertain significance. Last evaluated: 2022-02-02. Review status: criteria provided, single submitter. Criteria: Invitae Variant Classification Sherloc (09022015). Collection method: clinical testing. Allele origin: germline.
Comment: Experimental studies and prediction algorithms are not available or were not evaluated, and the functional significance of this variant is currently unknown. This variant has not been reported in the literature in individuals affected with HTT-related conditions. In summary, the available evidence is currently insufficient to determine the role of this variant in disease. Therefore, it has been classified as a Variant of Uncertain Significance. This sequence change replaces lysine, which is basic and polar, with asparagine, which is neutral and polar, at codon 669 of the HTT protein (p.Lys669Asn). This variant is not present in population databases (gnomAD no frequency).